The following is an entry in ClinVar:

ClinVar aggregate classification (germline): Uncertain significance (1 of 4 stars; one submission).

Conditions:
CHD7-related disorder. Also called: CHD7-related condition.

Submission:

PreventionGenetics, part of Exact Sciences
Classification: Uncertain significance for CHD7-related condition. Last evaluated: 2024-12-21. Review status: criteria provided, single submitter. Criteria: ACMG Guidelines, 2015. Collection method: clinical testing. Allele origin: germline.
Comment: The CHD7 c.6451G>A variant is predicted to result in the amino acid substitution p.Val2151Ile. To our knowledge, this variant has not been reported in the literature or in a large population database (gnomAD), indicating this variant is rare. At this time, the clinical significance of this variant is uncertain due to the absence of conclusive functional and genetic evidence.

NM_017780.4(CHD7):c.6451G>A (p.Val2151Ile)

Gene: CHD7 (chromodomain helicase DNA binding protein 7; plus strand). Cytogenetic location: 8q12.2.
Variant type: single nucleotide variant.
Coding change: c.6451G>A on transcript NM_017780.4 (MANE Select); coding-DNA position 6451, G replaced by A.
Protein change: p.Val2151Ile; replaces valine 2151 with isoleucine.
Molecular consequence: missense variant. On other transcripts: intron variant (1).
Genome position (GRCh38, 1-based): chr8:60,853,176, G>A. VCF-style: chr8-60853176-G-A. GRCh37 (hg19) VCF-style: chr8-61765735-G-A.
Other names: c.1717-9053G>A (NM_001316690.1); short protein forms V2151I.
Identifiers: ClinVar variation 4998821 (VCV004998821.1).
Genomic context (GRCh38, chr8:60,853,176, plus strand): 5'-TTTGCTCAAAACAGAGGGGCAGGTAATACATCTTCCTTGAACCCACTGGCAGTTGGATTT[G>A]TCCAGACTCCTCCAGTCATCTCATCTGCTCATATTCAAGATGAGAGGGTACTGGAACAAG-3'
Protein context (NP_060250.2, residues 2141-2161): SSLNPLAVGF[Val2151Ile]QTPPVISSAH